The following is an entry in ClinVar:

ClinVar aggregate classification (germline): Conflicting classifications of pathogenicity. Review status: criteria provided, conflicting classifications (1 of 4 stars). 5 submissions from 5 submitters: Likely pathogenic (1); Uncertain significance (4). Last evaluated 2025-12-12.

Conditions:
Aortic aneurysm, familial thoracic 4 (AAT4). Also called: AORTIC ANEURYSM/AORTIC DISSECTION AND PATENT DUCTUS ARTERIOSUS. Identifiers: MedGen C1851504, MONDO:0007568, OMIM 132900.
Visceral myopathy 2. Identifiers: MedGen C5543466, MONDO:0859157, OMIM 619350.
Megacystis-microcolon-intestinal hypoperistalsis syndrome 2. Identifiers: MedGen C5543476, MONDO:0025708, OMIM 619351.
Familial thoracic aortic aneurysm and aortic dissection (TAAD). Also called: Thoracic aortic aneurysms and dissections. Identifiers: Orphanet 91387, MedGen C4707243, MONDO:0019625.

Allele frequency attached by ClinVar (database versions not stated): gnomAD 0.00001 and below 0.00001; gnomAD exomes 0.00002 and 0.00005; ExAC 0.00007.
gnomAD v4.1: 33 of 1,613,740 alleles (0.002%); highest among the groups gnomAD compares: South Asian, 0.026%; no homozygotes.

Submissions (7):

Color Diagnostics, LLC DBA Color Health
Classification: Uncertain significance for Familial thoracic aortic aneurysm and aortic dissection. Last evaluated: 2025-12-12. Review status: criteria provided, single submitter. Criteria: ACMG Guidelines, 2015. Collection method: clinical testing. Allele origin: germline.
Comment: This variant causes a G to A nucleotide substitution at the +1 position of intron 6 of the MYH11 gene. Splice site prediction tools suggest that this variant may disrupt RNA splicing. To our knowledge, RNA studies have not been reported for this variant. This variant has not been reported in individuals affected with MYH11-related disorders in the literature. This variant has been identified in 33/1613740 chromosomes in the general population by the Genome Aggregation Database (gnomAD). Clinical significance of loss-of-function MYH11 truncation and splice variants in autosomal dominant cardiovascular disorders is not clearly established. The available evidence is insufficient to determine the role of this variant in disease conclusively. Therefore, this variant is classified as a Variant of Uncertain Significance.

Labcorp Genetics (formerly Invitae), Labcorp
Classification: Likely pathogenic for Aortic aneurysm, familial thoracic 4. Last evaluated: 2025-10-25. Review status: criteria provided, single submitter. Criteria: Invitae Variant Classification Sherloc (09022015). Collection method: clinical testing. Allele origin: germline.
Comment: This sequence change affects a donor splice site in intron 6 of the MYH11 gene. It is expected to disrupt RNA splicing. Variants that disrupt the donor or acceptor splice site typically lead to a loss of protein function (PMID: 16199547), and loss-of-function variants in MYH11 are known to be pathogenic (PMID: 25407000, 29575632). This variant is present in population databases (rs770424951, gnomAD 0.04%). This variant has not been reported in the literature in individuals affected with MYH11-related conditions. ClinVar contains an entry for this variant (Variation ID: 201100). In summary, the currently available evidence indicates that the variant is pathogenic, but additional data are needed to prove that conclusively. Therefore, this variant has been classified as Likely Pathogenic.

All of Us Research Program, National Institutes of Health
Classification: Uncertain significance for Familial thoracic aortic aneurysm and aortic dissection. Last evaluated: 2024-07-29. Review status: criteria provided, single submitter. Criteria: ACMG Guidelines, 2015. Collection method: clinical testing. Allele origin: germline. Inheritance: Autosomal dominant inheritance. Observed: 1 variant allele, 1 heterozygote.
Comment: This variant causes a G to A nucleotide substitution at the +1 position of intron 6 of the MYH11 gene. Splice site prediction tools suggest that this variant may disrupt RNA splicing. To our knowledge, RNA studies have not been reported for this variant. This variant has not been reported in individuals affected with MYH11-related disorders in the literature. This variant has been identified in 13/249032 chromosomes in the general population by the Genome Aggregation Database (gnomAD). Clinical significance of loss-of-function MYH11 truncation and splice variants in autosomal dominant cardiovascular disorders is not clearly established. The available evidence is insufficient to determine the role of this variant in disease conclusively. Therefore, this variant is classified as a Variant of Uncertain Significance.

This study involves interpretation of variants in research participants for the purpose of population health screening. Participant phenotype was not available at the time of variant classification. Additional details can be found in publication PMID: 35346344, PMCID: PMC8962531

Fulgent Genetics
Classification: Uncertain significance for Aortic aneurysm, familial thoracic 4; Visceral myopathy 2; Megacystis-microcolon-intestinal hypoperistalsis syndrome 2. Last evaluated: 2021-08-20. Review status: criteria provided, single submitter. Criteria: ACMG Guidelines, 2015. Collection method: clinical testing. Allele origin: unknown.

GeneDx
Classification: Uncertain significance. Last evaluated: 2014-03-30. Review status: criteria provided, single submitter. Criteria: GeneDx Variant Classification (06012015). Collection method: clinical testing. Allele origin: germline. Affected: yes.
Comment: c.654+1 G>A: IVS6+1 G>A in intron 6 of the MYH11 gene (NM_001040113.1). A variant of unknown significance has been identified in the MYH11 gene. The c.654+1 G>A variant has not been published as a mutation, nor has it been reported as a benign polymorphism to our knowledge. This variant destroys the canonical splice donor site in intron 6 and is predicted to cause abnormal gene splicing. The c.654+1 G>A variant is predicted to lead to either an abnormal message that is subject to nonsense-mediated mRNA decay, or to an abnormal protein product if the message is used for protein translation. However, c.654+1 G>A occurs in an alternate transcript where no mutations have been reported in association with disease. Therefore, based on the currently available information, it is unclear whether this variant is a pathogenic mutation or a rare benign variant. The variant is found in TAAD panel(s).

Dr. Peter K. Rogan Lab, Western University
No classification provided (evidence only). Condition: Familial cancer of breast. Review status: no classification provided. Collection method: in vitro. Allele origin: not applicable. Functional consequence: retained intron. Not counted in ClinVar's aggregate classification.

Dr. Peter K. Rogan Lab, Western University
No classification provided (evidence only). Condition: Familial cancer of breast. Review status: no classification provided. Collection method: in vitro. Allele origin: not applicable. Functional consequence: retained intron. Not counted in ClinVar's aggregate classification.

Literature cited by the submitters: PubMed 16199547 (cited by Labcorp Genetics (formerly Invitae), Labcorp); PubMed 25407000 (cited by Labcorp Genetics (formerly Invitae), Labcorp); PubMed 29575632 (cited by Labcorp Genetics (formerly Invitae), Labcorp).

NM_001040113.2(MYH11):c.654+1G>A

Gene: MYH11 (myosin heavy chain 11; minus strand). Cytogenetic location: 16p13.11.
Variant type: single nucleotide variant.
Coding change: c.654+1G>A on transcript NM_001040113.2 (MANE Plus Clinical); the canonical splice donor site of the intron after coding-DNA position 654, G replaced by A.
Molecular consequence: splice donor variant. On other transcripts: intron variant (2).
Genome position (GRCh38, 1-based): chr16:15,784,697, C>T on the plus strand (G>A on the coding strand, the complement: MYH11 is on the minus strand). VCF-style: chr16-15784697-C-T. GRCh37 (hg19) VCF-style: chr16-15878554-C-T.
Other names: c.633+1933G>A (NM_002474.3, NM_022844.3); c.654+1G>A (NM_001040114.2).
Identifiers: ClinVar variation 201100 (VCV000201100.17), dbSNP rs770424951, ClinGen allele CA306643.